The following is an entry in ClinVar:

NM_138775.3(ALKBH8):c.318G>A (p.Val106=)

Gene: ALKBH8 (alkB homolog 8, tRNA methyltransferase; minus strand). Cytogenetic location: 11q22.3.
Variant type: single nucleotide variant.
Coding change: c.318G>A on transcript NM_138775.3 (MANE Select); coding-DNA position 318, G replaced by A.
Protein change: p.Val106=; no amino-acid change (valine 106 retained).
Molecular consequence: synonymous variant. On other transcripts: non-coding transcript variant (6).
Genome position (GRCh38, 1-based): chr11:107,556,815, C>T on the plus strand (G>A on the coding strand, the complement: ALKBH8 is on the minus strand). VCF-style: chr11-107556815-C-T. GRCh37 (hg19) VCF-style: chr11-107427541-C-T.
Other names: c.318G>A, p.Val106= (NM_001301010.3, NM_001378133.1).
Identifiers: ClinVar variation 1298526 (VCV001298526.36), dbSNP rs142515602, ClinGen allele CA6261278.

ClinVar aggregate classification (germline): Likely benign. Review status: criteria provided, multiple submitters, no conflicts (2 of 4 stars). 2 submissions from 2 submitters: Likely benign (2). Last evaluated 2026-08-01.

Allele frequency attached by ClinVar (database versions not stated): ExAC 0.00023; gnomAD exomes 0.00024 and 0.00074; gnomAD 0.00035 and 0.00036; TOPMed 0.00036; ESP Exome Variant Server 0.00038.
gnomAD v4.1: 1,063 of 1,488,320 alleles (0.071%); highest among the groups gnomAD compares: Non-Finnish European, 0.089%; 2 homozygotes.

Submissions (2):

CeGaT Center for Human Genetics Tuebingen
Classification: Likely benign. Last evaluated: 2026-08-01. Review status: criteria provided, single submitter. Criteria: CeGaT Center For Human Genetics Tuebingen Variant Classification Criteria Version 2. Collection method: clinical testing. Allele origin: germline. Affected: yes. Observed: 10 variant alleles.
Comment: ALKBH8: BP4, BP7

Blueprint Genetics
Classification: Likely benign. Last evaluated: 2024-10-30. Review status: criteria provided, single submitter. Criteria: ACMG Guidelines, 2015. Collection method: clinical testing. Allele origin: germline.